The following is an entry in ClinVar:

NM_003579.4(RAD54L):c.1381G>C (p.Ala461Pro)

Gene: RAD54L (RAD54 like; plus strand). Cytogenetic location: 1p34.1.
Variant type: single nucleotide variant.
Coding change: c.1381G>C on transcript NM_003579.4 (MANE Select); coding-DNA position 1381, G replaced by C.
Protein change: p.Ala461Pro; replaces alanine 461 with proline.
Molecular consequence: missense variant.
Genome position (GRCh38, 1-based): chr1:46,273,360, G>C. VCF-style: chr1-46273360-G-C. GRCh37 (hg19) VCF-style: chr1-46739032-G-C.
Other names: c.1381G>C, p.Ala461Pro (NM_001142548.2); c.841G>C, p.Ala281Pro (NM_001370766.1); short protein forms A461P, A281P.
Identifiers: ClinVar variation 1771300 (VCV001771300.2), dbSNP rs768927761, ClinGen allele CA340180229.

ClinVar aggregate classification (germline): Uncertain significance (1 of 4 stars; one submission).

Submission:

Ambry Genetics
Classification: Uncertain significance. Last evaluated: 2022-04-23. Review status: criteria provided, single submitter. Criteria: Ambry Variant Classification Scheme 2023. Collection method: clinical testing. Allele origin: germline.
Comment: The p.A461P variant (also known as c.1381G>C), located in coding exon 13 of the RAD54L gene, results from a G to C substitution at nucleotide position 1381. The alanine at codon 461 is replaced by proline, an amino acid with highly similar properties. This amino acid position is conserved. In addition, the in silico prediction for this alteration is inconclusive. Since supporting evidence is limited at this time, the clinical significance of this alteration remains unclear.